The following is an entry in ClinVar:

ClinVar aggregate classification (germline): Benign/Likely benign. Review status: criteria provided, multiple submitters, no conflicts (2 of 4 stars). 6 submissions from 6 submitters: Benign (1); Likely benign (4). 1 of the submissions does not count toward it. Last evaluated 2026-05-20.

Conditions:
NF1-related disorder. Also called: NF1-related condition. Identifiers: MedGen CN379171.
Hereditary cancer-predisposing syndrome. Also called: Tumor predisposition; Hereditary neoplastic syndrome; Neoplastic Syndromes, Hereditary; Hereditary Cancer Syndrome. Identifiers: Orphanet 140162, MedGen C0027672, MeSH D009386, MONDO:0015356.
Neurofibromatosis, type 1 (NF1). Also called: Neurofibromatosis, type I; NEUROFIBROMATOSIS, TYPE I, SOMATIC; VON RECKLINGHAUSEN DISEASE; Peripheral type neurofibromatosis. Identifiers: Orphanet 636, MedGen C0027831, MONDO:0018975, OMIM 162200. Disease mechanism: loss of function.

Allele frequency attached by ClinVar (database versions not stated): gnomAD 0.00006 and 0.00007; ExAC 0.00001; gnomAD exomes 0.00001; TOPMed 0.00011; ESP Exome Variant Server 0.00015.
gnomAD v4.1: 20 of 1,612,974 alleles (0.0012%); highest among the groups gnomAD compares: African/African-American, 0.025%; no homozygotes.

Submissions (6):

Myriad Genetics, Inc.
Classification: Benign for Neurofibromatosis, type 1. Last evaluated: 2026-05-20. Review status: criteria provided, single submitter. Criteria: Myriad Autosomal Dominant, Autosomal Recessive and X-Linked Classification Criteria (2023). Collection method: clinical testing. Allele origin: unknown.
Comment: This variant is considered benign. This variant is a silent/synonymous amino acid change and it is not expected to impact splicing.

Labcorp Genetics (formerly Invitae), Labcorp
Classification: Likely benign for Neurofibromatosis, type 1. Last evaluated: 2025-12-30. Review status: criteria provided, single submitter. Criteria: Invitae Variant Classification Sherloc (09022015). Collection method: clinical testing. Allele origin: germline.

Women's Health and Genetics/Laboratory Corporation of America, LabCorp
Classification: Likely benign. Last evaluated: 2023-01-29. Review status: criteria provided, single submitter. Criteria: LabCorp Variant Classification Summary - May 2015. Collection method: clinical testing. Allele origin: germline.

Genome-Nilou Lab
Classification: Likely benign for Neurofibromatosis, type 1. Last evaluated: 2022-03-15. Review status: criteria provided, single submitter. Criteria: ACMG Guidelines, 2015. Collection method: clinical testing. Allele origin: germline. Affected: no.

Ambry Genetics
Classification: Likely benign for Hereditary cancer-predisposing syndrome. Last evaluated: 2014-07-25. Review status: criteria provided, single submitter. Criteria: Ambry Autosomal Dominant and X-Linked criteria (10/2015). Collection method: clinical testing. Allele origin: germline. Observed: 1 variant allele.

PreventionGenetics, part of Exact Sciences
Classification: Likely benign for NF1-related condition. Last evaluated: 2022-09-26. Review status: no assertion criteria provided. Collection method: clinical testing. Allele origin: germline. Not counted in ClinVar's aggregate classification.
Comment: This variant is classified as likely benign based on ACMG/AMP sequence variant interpretation guidelines (Richards et al. 2015 PMID: 25741868, with internal and published modifications).

Literature cited by the submitters: PubMed 10678181 (cited by Women's Health and Genetics/Laboratory Corporation of America, LabCorp); PubMed 23460398 (cited by Women's Health and Genetics/Laboratory Corporation of America, LabCorp); PubMed 29872168 (cited by Women's Health and Genetics/Laboratory Corporation of America, LabCorp); PubMed 27069254 (cited by Women's Health and Genetics/Laboratory Corporation of America, LabCorp).

NM_001042492.3(NF1):c.4803T>C (p.Ala1601=)

Gene: NF1 (neurofibromin 1; plus strand). Cytogenetic location: 17q11.2.
Variant type: single nucleotide variant.
Coding change: c.4803T>C on transcript NM_001042492.3 (MANE Select); coding-DNA position 4803, T replaced by C.
Protein change: p.Ala1601=; no amino-acid change (alanine 1601 retained).
Molecular consequence: synonymous variant.
Genome position (GRCh38, 1-based): chr17:31,265,307, T>C. VCF-style: chr17-31265307-T-C. GRCh37 (hg19) VCF-style: chr17-29592325-T-C.
Other names: c.4740T>C, p.Ala1580= (NM_000267.4).
Identifiers: ClinVar variation 185617 (VCV000185617.18), dbSNP rs148662566, ClinGen allele CA192424.